The following is an entry in ClinVar:

ClinVar aggregate classification (germline): Conflicting classifications of pathogenicity. Review status: criteria provided, conflicting classifications (1 of 4 stars). 2 submissions from 2 submitters: Uncertain significance (1); Likely benign (1). Last evaluated 2023-03-23.

Conditions:
Hereditary cancer-predisposing syndrome. Also called: Tumor predisposition; Hereditary neoplastic syndrome; Neoplastic Syndromes, Hereditary; Hereditary Cancer Syndrome. Identifiers: Orphanet 140162, MedGen C0027672, MeSH D009386, MONDO:0015356.
Hereditary breast ovarian cancer syndrome. Also called: BRCA1- and BRCA2-Associated Hereditary Breast and Ovarian Cancer; Hereditary breast and ovarian cancer; Hereditary breast and/or ovarian cancer syndrome; Hereditary breast and ovarian cancer syndrome; Hereditary breast and ovarian cancer syndrome (HBOC); Breast and ovarian cancer. Identifiers: Orphanet 145, MedGen C0677776, MeSH D061325, MONDO:0003582. Disease mechanism: loss of function.

Submissions (2):

University of Washington Department of Laboratory Medicine, University of Washington
Classification: Likely benign for Hereditary cancer-predisposing syndrome. Last evaluated: 2023-03-23. Review status: criteria provided, single submitter. Criteria: Dines et al. (Genet Med. 2020). Collection method: curation. Allele origin: germline.
Comment: Missense variant in a coldspot region where missense variants are very unlikely to be pathogenic (PMID:31911673).

BRCA2 exon 11 coldspot. Reclassification based on statistical prior probability.

Labcorp Genetics (formerly Invitae), Labcorp
Classification: Uncertain significance for Hereditary breast ovarian cancer syndrome. Last evaluated: 2021-01-02. Review status: criteria provided, single submitter. Criteria: Invitae Variant Classification Sherloc (09022015). Collection method: clinical testing. Allele origin: germline.
Comment: In summary, the available evidence is currently insufficient to determine the role of this variant in disease. Therefore, it has been classified as a Variant of Uncertain Significance. Advanced modeling of protein sequence and biophysical properties (such as structural, functional, and spatial information, amino acid conservation, physicochemical variation, residue mobility, and thermodynamic stability) performed at Invitae indicates that this missense variant is not expected to disrupt BRCA2 protein function. This variant has not been reported in the literature in individuals with BRCA2-related conditions. This variant is not present in population databases (ExAC no frequency). This sequence change replaces aspartic acid with histidine at codon 988 of the BRCA2 protein (p.Asp988His). The aspartic acid residue is weakly conserved and there is a moderate physicochemical difference between aspartic acid and histidine.

NM_000059.4(BRCA2):c.2962G>C (p.Asp988His)

Gene: BRCA2 (BRCA2 DNA repair associated; plus strand). Cytogenetic location: 13q13.1.
Variant type: single nucleotide variant.
Coding change: c.2962G>C on transcript NM_000059.4 (MANE Select); coding-DNA position 2962, G replaced by C.
Protein change: p.Asp988His; replaces aspartic acid 988 with histidine.
Molecular consequence: missense variant.
Genome position (GRCh38, 1-based): chr13:32,337,317, G>C. VCF-style: chr13-32337317-G-C. GRCh37 (hg19) VCF-style: chr13-32911454-G-C.
Other names: short protein forms D988H.
Identifiers: ClinVar variation 1499729 (VCV001499729.9), dbSNP rs1593898237, ClinGen allele CA387774464.